The following is an entry in ClinVar:

NM_031935.3(HMCN1):c.8582A>G (p.Tyr2861Cys)

Gene: HMCN1 (hemicentin 1; plus strand). Cytogenetic location: 1q31.1.
Variant type: single nucleotide variant.
Coding change: c.8582A>G on transcript NM_031935.3 (MANE Select); coding-DNA position 8582, A replaced by G.
Protein change: p.Tyr2861Cys; replaces tyrosine 2861 with cysteine.
Molecular consequence: missense variant.
Genome position (GRCh38, 1-based): chr1:186,078,203, A>G. VCF-style: chr1-186078203-A-G. GRCh37 (hg19) VCF-style: chr1-186047335-A-G.
Other names: short protein forms Y2861C.
Identifiers: ClinVar variation 1521646 (VCV001521646.6), dbSNP rs2102367665, ClinGen allele CA343913850.

ClinVar aggregate classification (germline): Uncertain significance (1 of 4 stars; one submission).

Submission:

Labcorp Genetics (formerly Invitae), Labcorp
Classification: Uncertain significance. Last evaluated: 2021-12-15. Review status: criteria provided, single submitter. Criteria: Invitae Variant Classification Sherloc (09022015). Collection method: clinical testing. Allele origin: germline.
Comment: In summary, the available evidence is currently insufficient to determine the role of this variant in disease. Therefore, it has been classified as a Variant of Uncertain Significance. Algorithms developed to predict the effect of missense changes on protein structure and function (SIFT, PolyPhen-2, Align-GVGD) all suggest that this variant is likely to be disruptive. This variant has not been reported in the literature in individuals affected with HMCN1-related conditions. This variant is not present in population databases (gnomAD no frequency). This sequence change replaces tyrosine, which is neutral and polar, with cysteine, which is neutral and slightly polar, at codon 2861 of the HMCN1 protein (p.Tyr2861Cys).